The following is an entry in ClinVar:

NM_000553.6(WRN):c.4119A>T (p.Arg1373Ser)

Gene: WRN (WRN RecQ like helicase; plus strand). Cytogenetic location: 8p12.
Variant type: single nucleotide variant.
Coding change: c.4119A>T on transcript NM_000553.6 (MANE Select); coding-DNA position 4119, A replaced by T.
Protein change: p.Arg1373Ser; replaces arginine 1373 with serine.
Molecular consequence: missense variant.
Genome position (GRCh38, 1-based): chr8:31,167,158, A>T. VCF-style: chr8-31167158-A-T. GRCh37 (hg19) VCF-style: chr8-31024674-A-T.
Other names: short protein forms R1373S.
Identifiers: ClinVar variation 2771884 (VCV002771884.3), dbSNP rs1306232450, ClinGen allele CA370909672.

ClinVar aggregate classification (germline): Uncertain significance (1 of 4 stars; one submission).

Conditions:
Werner syndrome (WRN). Identifiers: Orphanet 902, MedGen C0043119, MONDO:0010196, OMIM 277700.

Submission:

Labcorp Genetics (formerly Invitae), Labcorp
Classification: Uncertain significance for Werner syndrome. Last evaluated: 2023-10-26. Review status: criteria provided, single submitter. Criteria: Invitae Variant Classification Sherloc (09022015). Collection method: clinical testing. Allele origin: germline.
Comment: This sequence change replaces arginine, which is basic and polar, with serine, which is neutral and polar, at codon 1373 of the WRN protein (p.Arg1373Ser). This variant is not present in population databases (gnomAD no frequency). This variant has not been reported in the literature in individuals affected with WRN-related conditions. An algorithm developed to predict the effect of missense changes on protein structure and function (PolyPhen-2) suggests that this variant is likely to be tolerated. In summary, the available evidence is currently insufficient to determine the role of this variant in disease. Therefore, it has been classified as a Variant of Uncertain Significance.